The following is an entry in ClinVar:

ClinVar aggregate classification (germline): Pathogenic. Review status: reviewed by expert panel (3 of 4 stars). 2 submissions from 2 submitters: Pathogenic (1). 1 of the submissions does not count toward it. Last evaluated 2016-10-18.

Conditions:
Breast-ovarian cancer, familial, susceptibility to, 2 (BROVCA2). Also called: BRCA2 Hereditary Breast and Ovarian Cancer. Identifiers: Orphanet 145, MedGen C2675520, MONDO:0012933, OMIM 612555. Disease mechanism: loss of function.

Submissions (2):

Evidence-based Network for the Interpretation of Germline Mutant Alleles (ENIGMA)
Classification: Pathogenic for Breast-ovarian cancer, familial, susceptibility to, 2. Last evaluated: 2016-10-18. Review status: reviewed by expert panel. Criteria: ENIGMA BRCA1/2 Classification Criteria (2015). Collection method: curation. Allele origin: germline.
Comment: Variant allele predicted to encode a truncated non-functional protein.

Consortium of Investigators of Modifiers of BRCA1/2 (CIMBA), c/o University of Cambridge
Classification: Pathogenic for Breast-ovarian cancer, familial, susceptibility to, 2. Last evaluated: 2015-10-02. Review status: criteria provided, single submitter. Criteria: CIMBA Mutation Classification guidelines May 2016. Collection method: clinical testing. Allele origin: germline. Not counted in ClinVar's aggregate classification.

NM_000059.4(BRCA2):c.3489del (p.Leu1164fs)

Gene: BRCA2 (BRCA2 DNA repair associated; plus strand). Cytogenetic location: 13q13.1.
Variant type: Deletion.
Coding change: c.3489del on transcript NM_000059.4 (MANE Select); coding-DNA position 3489, one base deleted (T; older notation c.3489delT).
Protein change: p.Leu1164fs; shifts the reading frame from leucine 1164.
Molecular consequence: frameshift variant.
Genome position (GRCh38, 1-based): chr13:32,337,844, T deleted. VCF-style (leftmost placement, unchanged base first): chr13-32337843-AT-A. GRCh37 (hg19) VCF-style: chr13-32911980-AT-A.
Other names: 3717delT; short protein forms L1164fs.
Identifiers: ClinVar variation 266752 (VCV000266752.5), dbSNP rs886040476, ClinGen allele CA10589204.